The following is an entry in ClinVar:

ClinVar aggregate classification (germline): Uncertain significance. Review status: criteria provided, multiple submitters, no conflicts (2 of 4 stars). 2 submissions from 2 submitters: Uncertain significance (2). Last evaluated 2024-12-08.

Conditions:
Inborn genetic diseases. Identifiers: MedGen C0950123, MeSH D030342.

gnomAD v4.1: 11 of 1,613,932 alleles (0.00068%); highest among the groups gnomAD compares: Non-Finnish European, 0.00085%; no homozygotes.

Submissions (2):

Ambry Genetics
Classification: Uncertain significance for Inborn genetic diseases. Last evaluated: 2024-12-08. Review status: criteria provided, single submitter. Criteria: Ambry Variant Classification Scheme 2023. Collection method: clinical testing. Allele origin: germline.
Comment: The p.Q353R variant (also known as c.1058A>G), located in coding exon 5 of the SH2B3 gene, results from an A to G substitution at nucleotide position 1058. The glutamine at codon 353 is replaced by arginine, an amino acid with highly similar properties. This amino acid position is conserved. In addition, this alteration is predicted to be tolerated by in silico analysis. Based on the available evidence, the clinical significance of this variant remains unclear.

Mayo Clinic Laboratories, Mayo Clinic
Classification: Uncertain significance. Last evaluated: 2024-12-05. Review status: criteria provided, single submitter. Criteria: ACMG Guidelines, 2015. Collection method: clinical testing. Allele origin: germline. Observed: 1 variant allele.

NM_005475.3(SH2B3):c.1058A>G (p.Gln353Arg)

Gene: SH2B3 (SH2B adaptor protein 3; plus strand). Cytogenetic location: 12q24.12.
Variant type: single nucleotide variant.
Coding change: c.1058A>G on transcript NM_005475.3 (MANE Select); coding-DNA position 1058, A replaced by G.
Protein change: p.Gln353Arg; replaces glutamine 353 with arginine.
Molecular consequence: missense variant.
Genome position (GRCh38, 1-based): chr12:111,447,366, A>G. VCF-style: chr12-111447366-A-G. GRCh37 (hg19) VCF-style: chr12-111885170-A-G.
Other names: p.Gln151Arg; c.452A>G, p.Gln151Arg (NM_001291424.1); short protein forms Q353R, Q151R.
Identifiers: ClinVar variation 3440708 (VCV003440708.2).